The following is an entry in ClinVar:

ClinVar aggregate classification (germline): Uncertain significance (1 of 4 stars; one submission).

Conditions:
Peroxisome biogenesis disorder 7A (Zellweger). Also called: Peroxisome biogenesis disorder 7A. Identifiers: Orphanet 912, MedGen C3888385, MONDO:0013938, OMIM 614872.
Peroxisome biogenesis disorder 7B (PBD7B). Identifiers: Orphanet 44, MedGen C3553951, MONDO:0013939, OMIM 614873.

Submission:

Labcorp Genetics (formerly Invitae), Labcorp
Classification: Uncertain significance for Peroxisome biogenesis disorder 7A (Zellweger); Peroxisome biogenesis disorder 7B. Last evaluated: 2021-12-24. Review status: criteria provided, single submitter. Criteria: Invitae Variant Classification Sherloc (09022015). Collection method: clinical testing. Allele origin: germline.
Comment: Algorithms developed to predict the effect of missense changes on protein structure and function (SIFT, PolyPhen-2, Align-GVGD) all suggest that this variant is likely to be disruptive. This sequence change replaces alanine, which is neutral and non-polar, with threonine, which is neutral and polar, at codon 92 of the PEX26 protein (p.Ala92Thr). This variant is not present in population databases (gnomAD no frequency). This variant has not been reported in the literature in individuals affected with PEX26-related conditions. In summary, the available evidence is currently insufficient to determine the role of this variant in disease. Therefore, it has been classified as a Variant of Uncertain Significance.

NM_001127649.3(PEX26):c.274G>A (p.Ala92Thr)

Gene: PEX26 (peroxisomal biogenesis factor 26; plus strand). Cytogenetic location: 22q11.21.
Variant type: single nucleotide variant.
Coding change: c.274G>A on transcript NM_001127649.3 (MANE Select); coding-DNA position 274, G replaced by A.
Protein change: p.Ala92Thr; replaces alanine 92 with threonine.
Molecular consequence: missense variant.
Genome position (GRCh38, 1-based): chr22:18,079,917, G>A. VCF-style: chr22-18079917-G-A. GRCh37 (hg19) VCF-style: chr22-18562683-G-A.
Other names: c.274G>A, p.Ala92Thr (NM_001199319.2, NM_017929.6); short protein forms A92T.
Identifiers: ClinVar variation 2057852 (VCV002057852.4), dbSNP rs1926480637, ClinGen allele CA410265652.